The following is an entry in ClinVar:

ClinVar aggregate classification (germline): Uncertain significance (1 of 4 stars; one submission).

Conditions:
Gorlin syndrome. Also called: Nevoid Basal Cell Carcinoma Syndrome; Basal cell nevus syndrome. Identifiers: Orphanet 377, MedGen C0004779, MONDO:0007187.

Allele frequency attached by ClinVar (database versions not stated): ExAC 0.00001; gnomAD exomes 0.00001 and 0.00002; gnomAD 0.00002; TOPMed 0.00002.

Submission:

Labcorp Genetics (formerly Invitae), Labcorp
Classification: Uncertain significance for Gorlin syndrome. Last evaluated: 2020-12-19. Review status: criteria provided, single submitter. Criteria: Invitae Variant Classification Sherloc (09022015). Collection method: clinical testing. Allele origin: germline.
Comment: Algorithms developed to predict the effect of missense changes on protein structure and function output the following: SIFT: "Tolerated"; PolyPhen-2: "Benign"; Align-GVGD: "Class C0". The isoleucine amino acid residue is found in multiple mammalian species, suggesting that this missense change does not adversely affect protein function. These predictions have not been confirmed by published functional studies and their clinical significance is uncertain. This variant has not been reported in the literature in individuals with PTCH2-related conditions. This variant is present in population databases (rs758023126, ExAC 0.002%). This sequence change replaces valine with isoleucine at codon 1026 of the PTCH2 protein (p.Val1026Ile). The valine residue is moderately conserved and there is a small physicochemical difference between valine and isoleucine. In summary, the available evidence is currently insufficient to determine the role of this variant in disease. Therefore, it has been classified as a Variant of Uncertain Significance.

NM_003738.5(PTCH2):c.3076G>A (p.Val1026Ile)

Gene: PTCH2 (patched 2; minus strand). Cytogenetic location: 1p34.1.
Variant type: single nucleotide variant.
Coding change: c.3076G>A on transcript NM_003738.5 (MANE Select); coding-DNA position 3076, G replaced by A.
Protein change: p.Val1026Ile; replaces valine 1026 with isoleucine.
Molecular consequence: missense variant.
Genome position (GRCh38, 1-based): chr1:44,826,288, C>T on the plus strand (G>A on the coding strand, the complement: PTCH2 is on the minus strand). VCF-style: chr1-44826288-C-T. GRCh37 (hg19) VCF-style: chr1-45291960-C-T.
Other names: c.3076G>A, p.Val1026Ile (NM_001166292.2); short protein forms V1026I.
Identifiers: ClinVar variation 1429244 (VCV001429244.11), dbSNP rs758023126, ClinGen allele CA822814.